The following is an entry in ClinVar:

ClinVar aggregate classification (germline): Likely benign. Review status: criteria provided, multiple submitters, no conflicts (2 of 4 stars). 9 submissions from 9 submitters: Likely benign (5). 4 of the submissions do not count toward it. Last evaluated 2026-02-04.

Conditions:
Inborn genetic diseases. Identifiers: MedGen C0950123, MeSH D030342.
Dyskeratosis congenita. Identifiers: Orphanet 1775, MedGen C0265965, MONDO:0015780.
Dyskeratosis congenita, autosomal recessive 5 (DKCB5). Identifiers: MedGen C3554656, MONDO:0014076, OMIM 615190.
Pulmonary fibrosis and/or bone marrow failure, Telomere-related, 3. Also called: PULMONARY FIBROSIS AND/OR BONE MARROW FAILURE SYNDROME, TELOMERE-RELATED, 3. Identifiers: Orphanet 2032, MedGen C4225346, MONDO:0014613, OMIM 616373.

Allele frequency attached by ClinVar (database versions not stated): ESP Exome Variant Server 0.00031; 1000 Genomes Project 0.00040; gnomAD 0.00045; TOPMed 0.00057; 1000 Genomes Project 30x 0.00062.
gnomAD v4.1: 1,339 of 1,612,620 alleles (0.083%); highest among the groups gnomAD compares: Non-Finnish European, 0.096%; 1 homozygote.

Submissions (9):

Labcorp Genetics (formerly Invitae), Labcorp
Classification: Likely benign for Dyskeratosis congenita, autosomal recessive 5; Pulmonary fibrosis and/or bone marrow failure, Telomere-related, 3. Last evaluated: 2026-02-04. Review status: criteria provided, single submitter. Criteria: Invitae Variant Classification Sherloc (09022015). Collection method: clinical testing. Allele origin: germline.

Blueprint Genetics
Classification: Likely benign. Last evaluated: 2024-11-28. Review status: criteria provided, single submitter. Criteria: ACMG Guidelines, 2015. Collection method: clinical testing. Allele origin: germline.

CeGaT Center for Human Genetics Tuebingen
Classification: Likely benign. Last evaluated: 2023-09-01. Review status: criteria provided, single submitter. Criteria: CeGaT Center For Human Genetics Tuebingen Variant Classification Criteria Version 2. Collection method: clinical testing. Allele origin: germline. Affected: yes. Observed: 1 variant allele.
Comment: RTEL1: BP4, BP7

Ambry Genetics
Classification: Likely benign for Inborn genetic diseases. Last evaluated: 2022-04-09. Review status: criteria provided, single submitter. Criteria: Ambry Variant Classification Scheme 2023. Collection method: clinical testing. Allele origin: germline.

Sema4
Classification: Likely benign for Dyskeratosis congenita. Last evaluated: 2021-10-22. Review status: criteria provided, single submitter. Criteria: Sema4 Curation Guidelines. Collection method: curation. Allele origin: germline.

Genetic Services Laboratory, University of Chicago
Classification: Likely benign. Last evaluated: 2022-09-06. Review status: no assertion criteria provided. Collection method: clinical testing. Allele origin: germline. Affected: no. Not counted in ClinVar's aggregate classification.

Natera, Inc.
Classification: Likely benign for Dyskeratosis congenita. Last evaluated: 2020-09-16. Review status: no assertion criteria provided. Collection method: clinical testing. Allele origin: germline. Not counted in ClinVar's aggregate classification.

Clinical Genetics DNA and cytogenetics Diagnostics Lab, Erasmus MC, Erasmus Medical Center
Classification: Likely benign. Review status: no assertion criteria provided. Collection method: clinical testing. Allele origin: germline. Affected: yes. Study: VKGL Data-share Consensus. Not counted in ClinVar's aggregate classification.

Genome Diagnostics Laboratory, University Medical Center Utrecht
Classification: Likely benign. Review status: no assertion criteria provided. Collection method: clinical testing. Allele origin: germline. Affected: yes. Study: VKGL Data-share Consensus. Not counted in ClinVar's aggregate classification.

NM_001283009.2(RTEL1):c.2706C>T (p.Ala902=)

Genes: RTEL1 (regulator of telomere elongation helicase 1; plus strand), RTEL1-TNFRSF6B (RTEL1-TNFRSF6B readthrough (NMD candidate); plus strand). Cytogenetic location: 20q13.33.
Variant type: single nucleotide variant.
Coding change: c.2706C>T on transcript NM_001283009.2 (MANE Select); coding-DNA position 2706, C replaced by T.
Protein change: p.Ala902=; no amino-acid change (alanine 902 retained).
Molecular consequence: synonymous variant. On other transcripts: non-coding transcript variant (1).
Genome position (GRCh38, 1-based): chr20:63,692,858, C>T. VCF-style: chr20-63692858-C-T. GRCh37 (hg19) VCF-style: chr20-62324211-C-T.
Other names: c.2037C>T, p.Ala679= (NM_001283010.1); c.2706C>T, p.Ala902= (NM_016434.4); c.2778C>T, p.Ala926= (NM_032957.5).
Identifiers: ClinVar variation 789462 (VCV000789462.43), dbSNP rs116788553, ClinGen allele CA9965505.